The following is an entry in ClinVar:

ClinVar aggregate classification (germline): Likely benign. Review status: criteria provided, multiple submitters, no conflicts (2 of 4 stars). 3 submissions from 3 submitters: Likely benign (3). Last evaluated 2026-01-20.

Conditions:
Glutathione synthetase deficiency with 5-oxoprolinuria. Also called: PYROGLUTAMIC ACIDURIA; 5-OXOPROLINURIA DUE TO GLUTATHIONE SYNTHETASE DEFICIENCY; 5-Oxoprolinuria; Gluthathione synthetase deficiency; Reduced glutathione synthetase level. Identifiers: Orphanet 289846, MedGen C0398746, MONDO:0009947, OMIM 266130, HP:0003343.

Allele frequency attached by ClinVar (database versions not stated): gnomAD exomes 0.00002 and 0.00008; ExAC 0.00005; ESP Exome Variant Server 0.00023; gnomAD 0.00023 and 0.00026; TOPMed 0.00038.
gnomAD v4.1: 77 of 1,602,338 alleles (0.0048%); highest among the groups gnomAD compares: African/African-American, 0.074%; no homozygotes.

Submissions (3):

Labcorp Genetics (formerly Invitae), Labcorp
Classification: Likely benign for Glutathione synthetase deficiency with 5-oxoprolinuria. Last evaluated: 2026-01-20. Review status: criteria provided, single submitter. Criteria: Invitae Variant Classification Sherloc (09022015). Collection method: clinical testing. Allele origin: germline.

Mayo Clinic Laboratories, Mayo Clinic
Classification: Likely benign. Last evaluated: 2025-05-07. Review status: criteria provided, single submitter. Criteria: ACMG Guidelines, 2015. Collection method: clinical testing. Allele origin: germline. Observed: 1 variant allele.
Comment: BP4, BP7

Blueprint Genetics
Classification: Likely benign. Last evaluated: 2024-11-08. Review status: criteria provided, single submitter. Criteria: ACMG Guidelines, 2015. Collection method: clinical testing. Allele origin: germline.

NM_000178.4(GSS):c.768-7G>A

Gene: GSS (glutathione synthetase; minus strand). Cytogenetic location: 20q11.22.
Variant type: single nucleotide variant.
Coding change: c.768-7G>A on transcript NM_000178.4 (MANE Select); 7 bases into the intron before coding-DNA position 768, G replaced by A.
Molecular consequence: intron variant.
Genome position (GRCh38, 1-based): chr20:34,935,649, C>T on the plus strand (G>A on the coding strand, the complement: GSS is on the minus strand). VCF-style: chr20-34935649-C-T. GRCh37 (hg19) VCF-style: chr20-33523452-C-T.
Other names: p.?; c.768-7G>A (NM_001322494.1, NM_001322495.1).
Identifiers: ClinVar variation 1653746 (VCV001653746.10), dbSNP rs371625892, ClinGen allele CA9825960.
Genomic context (GRCh38, chr20:34,935,649, plus strand): 5'-TGACGAGGCATGTAGCCATCCCGGAAGTAAACCACAGCAATTTCCTGGCCATCCCTGGAA[C>T]ACAGGATGGAGAAGGCTGCTGTGTTAAATTATAACTGATTTGTTCAGTGGTTCAATCTAT-3'